The following is an entry in ClinVar:

NM_000051.4(ATM):c.8644_8647del (p.Ser2882fs)

Genes: ATM (ATM serine/threonine kinase; plus strand), C11orf65 (chromosome 11 open reading frame 65; minus strand). Cytogenetic location: 11q22.3.
Variant type: Deletion.
Coding change: c.8644_8647del on transcript NM_000051.4 (MANE Select); coding-DNA positions 8644 to 8647, 4 bases deleted (TCAG; older notation c.8644_8647delTCAG).
Protein change: p.Ser2882fs; shifts the reading frame from serine 2882.
Molecular consequence: frameshift variant. On other transcripts: intron variant (2).
Genome position (GRCh38, 1-based): chr11:108,347,338-108,347,341, TCAG deleted; deleting any 4 consecutive bases within chr11:108,347,335-108,347,341 gives the same sequence; the c. name uses the placement nearest the transcript's 3' end. VCF-style (leftmost placement, unchanged base first): chr11-108347334-GCAGT-G. GRCh37 (hg19) VCF-style: chr11-108218061-GCAGT-G.
Other names: c.8644_8647delTCAG, p.Ser2882Glnfs (NM_000051.3); c.8644_8647del, p.Ser2882fs (NM_001351834.2); c.641-38267_641-38264del (NM_001330368.2); c.695-12046_695-12043del (NM_001351110.2); short protein forms S2882fs.
Identifiers: ClinVar variation 1050724 (VCV001050724.5), dbSNP rs2137083265, ClinGen allele CA2499220732.

ClinVar aggregate classification (germline): Likely pathogenic. Review status: criteria provided, single submitter (1 of 4 stars). 2 submissions from 2 submitters: Likely pathogenic (1). 1 of the submissions does not count toward it. Last evaluated 2021-06-23.

Conditions:
Breast and/or ovarian cancer. Identifiers: MedGen CN221562.

Submissions (2):

CHEO Genetics Diagnostic Laboratory, Children's Hospital of Eastern Ontario
Classification: Likely pathogenic for Breast and/or ovarian cancer. Last evaluated: 2021-06-23. Review status: criteria provided, single submitter. Criteria: ACMG Guidelines, 2015. Collection method: clinical testing. Allele origin: germline.

Department of Pathology and Laboratory Medicine, Sinai Health System
Classification: Pathogenic. Review status: no assertion criteria provided. Collection method: clinical testing. Allele origin: unknown. Affected: yes. Observed: 1 variant allele. Study: The Canadian Open Genetics Repository (COGR). Not counted in ClinVar's aggregate classification.
Comment: The ATM p.Ser2882Glnfs*6 variant was not identified in the literature nor was it identified in the dbSNP, ClinVar, or LOVD 3.0 databases. The variant was not identified in the following control databases: the Exome Aggregation Consortium (August 8th 2016), or the Genome Aggregation Database (Feb 27, 2017). The c.8644_8647del variant is predicted to cause a frameshift, which alters the protein's amino acid sequence beginning at codon 2882 and leads to a premature stop codon at position 2887. This alteration is then predicted to result in a truncated or absent protein and loss of function. Loss of function variants of the ATM gene are an established mechanism of disease in ATM-associated cancers and is the type of variant expected to cause the disorder. In summary, based on the above information this variant meets our laboratoryâ€šÃ„Ã´s criteria to be classified as pathogenic.